The following is an entry in ClinVar:

ClinVar aggregate classification (germline): Conflicting classifications of pathogenicity. Review status: criteria provided, conflicting classifications (1 of 4 stars). 7 submissions from 7 submitters: Uncertain significance (1); Likely benign (5). 1 of the submissions does not count toward it. Last evaluated 2025-04-23.

Conditions:
Ehlers-Danlos syndrome (EDS). Identifiers: Orphanet 98249, MedGen C0013720, MONDO:0020066.
Ehlers-Danlos syndrome, type 4 (EDSVASC). Also called: Ehlers-Danlos syndrome vascular type; Ehlers Danlos syndrome, ecchymotic type; Ehlers Danlos syndrome, arterial type; Ehlers Danlos syndrome, Sack-Barabas type; Ehlers-Danlos Syndrome Type IV. Identifiers: Orphanet 286, MedGen C0268338, MONDO:0017314, OMIM 130050.
COL3A1-related disorder. Also called: COL3A1-related condition.
Familial thoracic aortic aneurysm and aortic dissection (TAAD). Also called: Thoracic aortic aneurysms and dissections. Identifiers: Orphanet 91387, MedGen C4707243, MONDO:0019625.

Allele frequency attached by ClinVar (database versions not stated): gnomAD exomes below 0.00001 and 0.00001; ExAC 0.00001; gnomAD 0.00002 and 0.00003; TOPMed 0.00006.
gnomAD v4.1: 12 of 1,613,864 alleles (0.00074%); highest among the groups gnomAD compares: African/African-American, 0.0067%; no homozygotes.

Submissions (7):

Women's Health and Genetics/Laboratory Corporation of America, LabCorp
Classification: Likely benign. Last evaluated: 2025-04-23. Review status: criteria provided, single submitter. Criteria: LabCorp Variant Classification Summary - May 2015. Collection method: clinical testing. Allele origin: germline.

Labcorp Genetics (formerly Invitae), Labcorp
Classification: Likely benign for Ehlers-Danlos syndrome, type 4. Last evaluated: 2025-02-12. Review status: criteria provided, single submitter. Criteria: Invitae Variant Classification Sherloc (09022015). Collection method: clinical testing. Allele origin: germline.

Blueprint Genetics
Classification: Likely benign. Last evaluated: 2024-05-02. Review status: criteria provided, single submitter. Criteria: ACMG Guidelines, 2015. Collection method: clinical testing. Allele origin: germline.

Genome Diagnostics Laboratory, The Hospital for Sick Children
Classification: Uncertain significance for Ehlers-Danlos syndrome. Last evaluated: 2019-10-01. Review status: criteria provided, single submitter. Criteria: ACMG Guidelines, 2015. Collection method: clinical testing. Allele origin: germline.

GeneDx
Classification: Likely benign. Last evaluated: 2018-12-04. Review status: criteria provided, single submitter. Criteria: GeneDx Variant Classification Process June 2021. Collection method: clinical testing. Allele origin: germline. Affected: yes.

Color Diagnostics, LLC DBA Color Health
Classification: Likely benign for Familial thoracic aortic aneurysm and aortic dissection. Last evaluated: 2018-11-16. Review status: criteria provided, single submitter. Criteria: ACMG Guidelines, 2015. Collection method: clinical testing. Allele origin: germline.

PreventionGenetics, part of Exact Sciences
Classification: Likely benign for COL3A1-related condition. Last evaluated: 2021-01-02. Review status: no assertion criteria provided. Collection method: clinical testing. Allele origin: germline. Not counted in ClinVar's aggregate classification.
Comment: This variant is classified as likely benign based on ACMG/AMP sequence variant interpretation guidelines (Richards et al. 2015 PMID: 25741868, with internal and published modifications).

NM_000090.4(COL3A1):c.1816-4T>C

Gene: COL3A1 (collagen type III alpha 1 chain; plus strand). Cytogenetic location: 2q32.2.
Variant type: single nucleotide variant.
Coding change: c.1816-4T>C on transcript NM_000090.4 (MANE Select); 4 bases into the intron before coding-DNA position 1816, T replaced by C.
Molecular consequence: intron variant.
Genome position (GRCh38, 1-based): chr2:188,997,332, T>C. VCF-style: chr2-188997332-T-C. GRCh37 (hg19) VCF-style: chr2-189862058-T-C.
Identifiers: ClinVar variation 699016 (VCV000699016.24), dbSNP rs765128089, ClinGen allele CA074705.